The following is an entry in ClinVar:

ClinVar aggregate classification (germline): Likely benign (1 of 4 stars; one submission).

Conditions:
DNAJC13-related disorder. Also called: DNAJC13-related condition.

gnomAD v4.1: 61 of 1,611,954 alleles (0.0038%); highest among the groups gnomAD compares: East Asian, 0.12%; no homozygotes.

Submission:

PreventionGenetics, part of Exact Sciences
Classification: Likely benign for DNAJC13-related condition. Last evaluated: 2026-01-27. Review status: criteria provided, single submitter. Criteria: ACMG Guidelines, 2015. Collection method: clinical testing. Allele origin: germline.
Comment: This variant is classified as likely benign based on ACMG/AMP sequence variant interpretation guidelines (Richards et al. 2015 PMID: 25741868, with internal and published modifications).

NM_015268.4(DNAJC13):c.2464G>A (p.Ala822Thr)

Gene: DNAJC13 (DnaJ heat shock protein family (Hsp40) member C13; plus strand). Cytogenetic location: 3q22.1.
Variant type: single nucleotide variant.
Coding change: c.2464G>A on transcript NM_015268.4 (MANE Select); coding-DNA position 2464, G replaced by A.
Protein change: p.Ala822Thr; replaces alanine 822 with threonine.
Molecular consequence: missense variant.
Genome position (GRCh38, 1-based): chr3:132,477,807, G>A. VCF-style: chr3-132477807-G-A. GRCh37 (hg19) VCF-style: chr3-132196651-G-A.
Other names: c.2479G>A, p.Ala827Thr (NM_001329126.2); short protein forms A822T, A827T.
Identifiers: ClinVar variation 4990094 (VCV004990094.1).